The following is an entry in ClinVar:

ClinVar aggregate classification (germline): Benign/Likely benign. Review status: criteria provided, multiple submitters, no conflicts (2 of 4 stars). 9 submissions from 6 submitters: Benign (5); Likely benign (3). 1 of the submissions does not count toward it. Last evaluated 2026-07-01.

Conditions:
Fetal akinesia, respiratory insufficiency, microcephaly, polymicrogyria, and dysmorphic facies. Identifiers: MedGen C5562015, MONDO:0859204, OMIM 619602.
Developmental and epileptic encephalopathy 98. Identifiers: MedGen C5562017, MONDO:0030472, OMIM 619605.
Familial hemiplegic migraine. Identifiers: MedGen C0338484, MONDO:0000700.
Inborn genetic diseases. Identifiers: MedGen C0950123, MeSH D030342.
ATP1A2-related disorder. Also called: ATP1A2-related condition; ATP1A2-RELATED DISORDERS.
Migraine, familial hemiplegic, 2. Identifiers: Orphanet 569, MedGen C1865322, MONDO:0011232, OMIM 602481.
Alternating hemiplegia of childhood 1 (AHC1). Identifiers: Orphanet 2131, MedGen C3549447, MONDO:0007087, OMIM 104290.

Allele frequency attached by ClinVar (database versions not stated): gnomAD 0.00005 and 0.00006; gnomAD exomes 0.00008 and 0.00043; TOPMed 0.00014; ExAC 0.00039.
gnomAD v4.1: 125 of 1,614,084 alleles (0.0077%); highest among the groups gnomAD compares: Admixed American, 0.21%; no homozygotes.

Submissions (9):

CeGaT Center for Human Genetics Tuebingen
Classification: Likely benign. Last evaluated: 2026-07-01. Review status: criteria provided, single submitter. Criteria: CeGaT Center For Human Genetics Tuebingen Variant Classification Criteria Version 2. Collection method: clinical testing. Allele origin: germline. Affected: yes. Observed: 2 variant alleles.
Comment: ATP1A2: BP4, BP7

Labcorp Genetics (formerly Invitae), Labcorp
Classification: Benign for Familial hemiplegic migraine. Last evaluated: 2026-02-01. Review status: criteria provided, single submitter. Criteria: Invitae Variant Classification Sherloc (09022015). Collection method: clinical testing. Allele origin: germline.

Genome-Nilou Lab
Classification: Benign for Alternating hemiplegia of childhood 1. Last evaluated: 2021-12-05. Review status: criteria provided, single submitter. Criteria: ACMG Guidelines, 2015. Collection method: clinical testing. Allele origin: germline. Affected: no.

Genome-Nilou Lab
Classification: Benign for Developmental and epileptic encephalopathy 98. Last evaluated: 2021-12-05. Review status: criteria provided, single submitter. Criteria: ACMG Guidelines, 2015. Collection method: clinical testing. Allele origin: germline. Affected: no.

Genome-Nilou Lab
Classification: Benign for Fetal akinesia, respiratory insufficiency, microcephaly, polymicrogyria, and dysmorphic facies. Last evaluated: 2021-12-05. Review status: criteria provided, single submitter. Criteria: ACMG Guidelines, 2015. Collection method: clinical testing. Allele origin: germline. Affected: no.

Genome-Nilou Lab
Classification: Benign for Migraine, familial hemiplegic, 2. Last evaluated: 2021-12-05. Review status: criteria provided, single submitter. Criteria: ACMG Guidelines, 2015. Collection method: clinical testing. Allele origin: germline. Affected: no.

GeneDx
Classification: Likely benign. Last evaluated: 2019-04-24. Review status: criteria provided, single submitter. Criteria: GeneDx Variant Classification Process June 2021. Collection method: clinical testing. Allele origin: germline. Affected: yes.

Ambry Genetics
Classification: Likely benign for Inborn genetic diseases. Last evaluated: 2016-04-14. Review status: criteria provided, single submitter. Criteria: Ambry Variant Classification Scheme 2023. Collection method: clinical testing. Allele origin: germline.

PreventionGenetics, part of Exact Sciences
Classification: Likely benign for ATP1A2-related condition. Last evaluated: 2021-12-23. Review status: no assertion criteria provided. Collection method: clinical testing. Allele origin: germline. Not counted in ClinVar's aggregate classification.
Comment: This variant is classified as likely benign based on ACMG/AMP sequence variant interpretation guidelines (Richards et al. 2015 PMID: 25741868, with internal and published modifications).

NM_000702.4(ATP1A2):c.1761T>C (p.Ser587=)

Gene: ATP1A2 (ATPase Na+/K+ transporting subunit alpha 2; plus strand). Cytogenetic location: 1q23.2.
Variant type: single nucleotide variant.
Coding change: c.1761T>C on transcript NM_000702.4 (MANE Select); coding-DNA position 1761, T replaced by C.
Protein change: p.Ser587=; no amino-acid change (serine 587 retained).
Molecular consequence: synonymous variant.
Genome position (GRCh38, 1-based): chr1:160,130,531, T>C. VCF-style: chr1-160130531-T-C. GRCh37 (hg19) VCF-style: chr1-160100321-T-C.
Identifiers: ClinVar variation 377530 (VCV000377530.25), dbSNP rs199621678, ClinGen allele CA1194578.